The following is an entry in ClinVar:

ClinVar aggregate classification (germline): Uncertain significance (1 of 4 stars; one submission).

Conditions:
Inborn genetic diseases. Identifiers: MedGen C0950123, MeSH D030342.

Submission:

Ambry Genetics
Classification: Uncertain significance for Inborn genetic diseases. Last evaluated: 2025-05-16. Review status: criteria provided, single submitter. Criteria: Ambry Variant Classification Scheme 2023. Collection method: clinical testing. Allele origin: germline.
Comment: The p.M20I variant (also known as c.60G>A), located in coding exon 1 of the SBDS gene, results from a G to A substitution at nucleotide position 60. The methionine at codon 20 is replaced by isoleucine, an amino acid with highly similar properties. This amino acid position is conserved. In addition, the in silico prediction for this alteration is inconclusive. Based on the available evidence, the clinical significance of this variant remains unclear.

NM_016038.4(SBDS):c.60G>A (p.Met20Ile)

Gene: SBDS (SBDS ribosome maturation factor; minus strand). Cytogenetic location: 7q11.21.
Variant type: single nucleotide variant.
Coding change: c.60G>A on transcript NM_016038.4 (MANE Select); coding-DNA position 60, G replaced by A.
Protein change: p.Met20Ile; replaces methionine 20 with isoleucine.
Molecular consequence: missense variant.
Genome position (GRCh38, 1-based): chr7:66,995,358, C>T on the plus strand (G>A on the coding strand, the complement: SBDS is on the minus strand). VCF-style: chr7-66995358-C-T. GRCh37 (hg19) VCF-style: chr7-66460345-C-T.
Other names: short protein forms M20I.
Identifiers: ClinVar variation 3950324 (VCV003950324.1).